The following is an entry in ClinVar:

NM_030962.4(SBF2):c.4799C>G (p.Thr1600Ser)

Genes: SBF2 (SET binding factor 2; minus strand), SBF2-AS1 (SBF2 antisense RNA 1; plus strand), LOC105369149 (uncharacterized LOC105369149; plus strand). Cytogenetic location: 11p15.4.
Variant type: single nucleotide variant.
Coding change: c.4799C>G on transcript NM_030962.4 (MANE Select); coding-DNA position 4799, C replaced by G.
Protein change: p.Thr1600Ser; replaces threonine 1600 with serine.
Molecular consequence: missense variant.
Genome position (GRCh38, 1-based): chr11:9,789,242, G>C on the plus strand (C>G on the coding strand, the complement: SBF2 is on the minus strand). VCF-style: chr11-9789242-G-C. GRCh37 (hg19) VCF-style: chr11-9810789-G-C.
Other names: c.4895C>G, p.Thr1632Ser (NM_001386339.1); c.4670C>G, p.Thr1557Ser (NM_001386342.1); short protein forms T1600S, T1557S, T1632S.
Identifiers: ClinVar variation 374664 (VCV000374664.49), dbSNP rs183468503, ClinGen allele CA16043837.

ClinVar aggregate classification (germline): Uncertain significance. Review status: criteria provided, multiple submitters, no conflicts (2 of 4 stars). 2 submissions from 2 submitters: Uncertain significance (2). Last evaluated 2019-04-22.

Conditions:
Charcot-Marie-Tooth disease type 4. Also called: Charcot-Marie-Tooth disease, type IV; Charcot-Marie-Tooth, Type 4. Identifiers: Orphanet 64749, MedGen C4082197, MONDO:0018995.

Submissions (2):

Labcorp Genetics (formerly Invitae), Labcorp
Classification: Uncertain significance for Charcot-Marie-Tooth disease type 4. Last evaluated: 2019-04-22. Review status: criteria provided, single submitter. Criteria: Invitae Variant Classification Sherloc (09022015). Collection method: clinical testing. Allele origin: germline.
Comment: This sequence change replaces threonine with serine at codon 1600 of the SBF2 protein (p.Thr1600Ser). The threonine residue is moderately conserved and there is a small physicochemical difference between threonine and serine. This variant is not present in population databases (ExAC no frequency). This variant has not been reported in the literature in individuals with SBF2-related conditions. ClinVar contains an entry for this variant (Variation ID: 374664). Algorithms developed to predict the effect of missense changes on protein structure and function output the following: SIFT: "Tolerated"; PolyPhen-2: "Benign"; Align-GVGD: "Class C0". The serine amino acid residue is found in multiple mammalian species, suggesting that this missense change does not adversely affect protein function. These predictions have not been confirmed by published functional studies and their clinical significance is uncertain. In summary, the available evidence is currently insufficient to determine the role of this variant in disease. Therefore, it has been classified as a Variant of Uncertain Significance.

CeGaT Center for Human Genetics Tuebingen
Classification: Uncertain significance. Last evaluated: 2016-07-01. Review status: criteria provided, single submitter. Criteria: CeGaT Center For Human Genetics Tuebingen Variant Classification Criteria Version 2. Collection method: clinical testing. Allele origin: germline. Affected: yes. Observed: 1 variant allele.